The following is an entry in ClinVar:

ClinVar aggregate classification (germline): Pathogenic/Likely pathogenic. Review status: criteria provided, multiple submitters, no conflicts (2 of 4 stars). 5 submissions from 5 submitters: Pathogenic (1); Likely pathogenic (4). Last evaluated 2024-03-13.

Conditions:
Retinitis pigmentosa 39 (RP39). Identifiers: Orphanet 791, MedGen C3151138, MONDO:0013436, OMIM 613809.
Usher syndrome type 2A. Also called: RETINAL DISEASE IN USHER SYNDROME TYPE IIA, MODIFIER OF; USHER SYNDROME, TYPE IIA. Identifiers: Orphanet 231178, Orphanet 886, MedGen C1848634, MONDO:0010169, OMIM 276901.
Retinitis pigmentosa (RP). Identifiers: Orphanet 791, MedGen C0035334, MeSH D012174, MONDO:0019200, OMIM 268000. Inheritance: Autosomal dominant, autosomal recessive and X linked inheritance.

Submissions (5):

Fulgent Genetics
Classification: Likely pathogenic for Usher syndrome type 2A; Retinitis pigmentosa 39. Last evaluated: 2024-03-13. Review status: criteria provided, single submitter. Criteria: ACMG Guidelines, 2015. Collection method: clinical testing. Allele origin: germline.

Genome-Nilou Lab
Classification: Likely pathogenic for Retinitis pigmentosa 39. Last evaluated: 2023-11-04. Review status: criteria provided, single submitter. Criteria: ACMG Guidelines, 2015. Collection method: clinical testing. Allele origin: germline. Affected: no.

Baylor Genetics
Classification: Likely pathogenic for Retinitis pigmentosa 39. Last evaluated: 2022-06-27. Review status: criteria provided, single submitter. Criteria: ACMG Guidelines, 2015. Collection method: clinical testing. Allele origin: unknown.

Labcorp Genetics (formerly Invitae), Labcorp
Classification: Pathogenic. Last evaluated: 2022-05-13. Review status: criteria provided, single submitter. Criteria: Invitae Variant Classification Sherloc (09022015). Collection method: clinical testing. Allele origin: germline.
Comment: This sequence change creates a premature translational stop signal (p.Val3131Glyfs*14) in the USH2A gene. It is expected to result in an absent or disrupted protein product. Loss-of-function variants in USH2A are known to be pathogenic (PMID: 10729113, 10909849, 20507924, 25649381). This variant is not present in population databases (gnomAD no frequency). This variant has not been reported in the literature in individuals affected with USH2A-related conditions. ClinVar contains an entry for this variant (Variation ID: 1297141). For these reasons, this variant has been classified as Pathogenic.

Broad Center for Mendelian Genomics, Broad Institute of MIT and Harvard
Classification: Likely pathogenic for Retinitis pigmentosa. Last evaluated: 2021-04-01. Review status: criteria provided, single submitter. Criteria: ACMG Guidelines, 2015. Collection method: curation. Allele origin: germline. Inheritance: Autosomal recessive inheritance. Affected: yes.
Comment: Through a review of available evidence we were able to apply the following criteria: PVS1, PM2. Based on this evidence we have classified this variant as Likely Pathogenic. If you have any questions about the classification please reach out to the Pierce Lab.

Literature cited by the submitters: PubMed 10729113 (cited by Labcorp Genetics (formerly Invitae), Labcorp); PubMed 10909849 (cited by Labcorp Genetics (formerly Invitae), Labcorp); PubMed 20507924 (cited by Labcorp Genetics (formerly Invitae), Labcorp); PubMed 25649381 (cited by Labcorp Genetics (formerly Invitae), Labcorp); PubMed 34906470 (cited by Broad Center for Mendelian Genomics, Broad Institute of MIT and Harvard).

NM_206933.4(USH2A):c.9391dup (p.Val3131fs)

Gene: USH2A (usherin; minus strand). Cytogenetic location: 1q41.
Variant type: Duplication.
Coding change: c.9391dup on transcript NM_206933.4 (MANE Select); coding-DNA position 9391, one base duplicated (G; older notation c.9391dupG).
Protein change: p.Val3131fs; shifts the reading frame from valine 3131.
Molecular consequence: frameshift variant.
Genome position (GRCh38, 1-based): chr1:215,817,176, C duplicated on the plus strand (G on the coding strand, the reverse complement: USH2A is on the minus strand); the first of 3 consecutive C bases (chr1:215,817,176-215,817,178); duplicating any one gives the same sequence. VCF-style (leftmost placement, unchanged base first): chr1-215817175-A-AC. GRCh37 (hg19) VCF-style: chr1-215990517-A-AC.
Other names: short protein forms V3131fs.
Identifiers: ClinVar variation 1297141 (VCV001297141.9), dbSNP rs2102796558, ClinGen allele CA2499214473.